The following is an entry in ClinVar:

NM_006767.4(LZTR1):c.535G>A (p.Gly179Arg)

Gene: LZTR1 (leucine zipper like post translational regulator 1; plus strand). Cytogenetic location: 22q11.21.
Variant type: single nucleotide variant.
Coding change: c.535G>A on transcript NM_006767.4 (MANE Select); coding-DNA position 535, G replaced by A.
Protein change: p.Gly179Arg; replaces glycine 179 with arginine.
Molecular consequence: missense variant.
Genome position (GRCh38, 1-based): chr22:20,988,814, G>A. VCF-style: chr22-20988814-G-A. GRCh37 (hg19) VCF-style: chr22-21343103-G-A.
Other names: short protein forms G179R.
Identifiers: ClinVar variation 4615579 (VCV004615579.1).

ClinVar aggregate classification (germline): Uncertain significance (1 of 4 stars; one submission).

Conditions:
Cardiovascular phenotype. Identifiers: MedGen CN230736.
Hereditary cancer-predisposing syndrome. Also called: Neoplastic Syndromes, Hereditary; Tumor predisposition; Hereditary Cancer Syndrome; Hereditary neoplastic syndrome. Identifiers: Orphanet 140162, MedGen C0027672, MeSH D009386, MONDO:0015356.

Submission:

Ambry Genetics
Classification: Uncertain significance for Cardiovascular phenotype; Hereditary cancer-predisposing syndrome. Last evaluated: 2025-09-26. Review status: criteria provided, single submitter. Criteria: Ambry Variant Classification Scheme 2023. Collection method: clinical testing. Allele origin: germline.
Comment: The p.G179R variant (also known as c.535G>A), located in coding exon 6 of the LZTR1 gene, results from a G to A substitution at nucleotide position 535. The glycine at codon 179 is replaced by arginine, an amino acid with dissimilar properties. This amino acid position is conserved. In addition, this alteration is predicted to be deleterious by in silico analysis. Based on the available evidence, the clinical significance of this variant remains unclear.